The following is an entry in ClinVar:

ClinVar aggregate classification (germline): Uncertain significance. Review status: criteria provided, multiple submitters, no conflicts (2 of 4 stars). 2 submissions from 2 submitters: Uncertain significance (2). Last evaluated 2025-05-07.

Conditions:
Bethlem myopathy 1A. Also called: Bethlem myopathy 1; MYOPATHY, BENIGN CONGENITAL, WITH CONTRACTURES; Bethlem Muscular Dystrophy. Identifiers: Orphanet 610, MedGen CN029274, MONDO:0024530, OMIM 158810.

gnomAD v4.1: 2 of 1,611,992 alleles (0.00012%); highest among the groups gnomAD compares: Non-Finnish European, 0.00017%; no homozygotes.

Submissions (2):

Labcorp Genetics (formerly Invitae), Labcorp
Classification: Uncertain significance for Bethlem myopathy 1A. Last evaluated: 2025-05-07. Review status: criteria provided, single submitter. Criteria: Invitae Variant Classification Sherloc (09022015). Collection method: clinical testing. Allele origin: germline.
Comment: This sequence change replaces aspartic acid, which is acidic and polar, with glycine, which is neutral and non-polar, at codon 491 of the COL6A2 protein (p.Asp491Gly). This variant is present in population databases (no rsID available, gnomAD 0.0009%). This variant has not been reported in the literature in individuals affected with COL6A2-related conditions. ClinVar contains an entry for this variant (Variation ID: 282031). Invitae Evidence Modeling of protein sequence and biophysical properties (such as structural, functional, and spatial information, amino acid conservation, physicochemical variation, residue mobility, and thermodynamic stability) has been performed for this missense variant. However, the output from this modeling did not meet the statistical confidence thresholds required to predict the impact of this variant on COL6A2 protein function. In summary, the available evidence is currently insufficient to determine the role of this variant in disease. Therefore, it has been classified as a Variant of Uncertain Significance.

Eurofins Ntd Llc (ga)
Classification: Uncertain significance. Last evaluated: 2015-07-15. Review status: criteria provided, single submitter. Criteria: EGL Classification Definitions 2015. Collection method: clinical testing. Allele origin: germline. Observed: 1 variant allele, 1 heterozygote.

NM_001849.4(COL6A2):c.1472A>G (p.Asp491Gly)

Gene: COL6A2 (collagen type VI alpha 2 chain; plus strand). Cytogenetic location: 21q22.3.
Variant type: single nucleotide variant.
Coding change: c.1472A>G on transcript NM_001849.4 (MANE Select); coding-DNA position 1472, A replaced by G.
Protein change: p.Asp491Gly; replaces aspartic acid 491 with glycine.
Molecular consequence: missense variant.
Genome position (GRCh38, 1-based): chr21:46,121,569, A>G. VCF-style: chr21-46121569-A-G. GRCh37 (hg19) VCF-style: chr21-47541483-A-G.
Other names: c.1472A>G, p.Asp491Gly (NM_058174.3, NM_058175.3); short protein forms D491G.
Identifiers: ClinVar variation 282031 (VCV000282031.6), dbSNP rs754954890, ClinGen allele CA10604043.